The following is an entry in ClinVar:

ClinVar aggregate classification (germline): Benign. Review status: criteria provided, multiple submitters, no conflicts (2 of 4 stars). 3 submissions from 3 submitters: Benign (2). 1 of the submissions does not count toward it. Last evaluated 2026-01-27.

Conditions:
Treacher Collins syndrome 1 (TCS1). Also called: TCOF1-Related Treacher Collins Syndrome. Identifiers: Orphanet 861, MedGen CN315775, MONDO:0007944, OMIM 154500.

Allele frequency attached by ClinVar (database versions not stated): gnomAD exomes 0.00190 and 0.00509; ExAC 0.00652; gnomAD 0.02022 and 0.02187; ESP Exome Variant Server 0.02064; 1000 Genomes Project 0.02216; TOPMed 0.02296; 1000 Genomes Project 30x 0.02342.
gnomAD v4.1: 6,033 of 1,614,126 alleles (0.37%); highest among the groups gnomAD compares: African/African-American, 7%; 200 homozygotes.

Submissions (3):

Labcorp Genetics (formerly Invitae), Labcorp
Classification: Benign for Treacher Collins syndrome 1. Last evaluated: 2026-01-27. Review status: criteria provided, single submitter. Criteria: Invitae Variant Classification Sherloc (09022015). Collection method: clinical testing. Allele origin: germline.

GeneDx
Classification: Benign. Last evaluated: 2016-01-25. Review status: criteria provided, single submitter. Criteria: GeneDx Variant Classification (06012015). Collection method: clinical testing. Allele origin: germline. Affected: yes.
Comment: This variant is considered likely benign or benign based on one or more of the following criteria: it is a conservative change, it occurs at a poorly conserved position in the protein, it is predicted to be benign by multiple in silico algorithms, and/or has population frequency not consistent with disease.

Genetic Services Laboratory, University of Chicago
Classification: Likely benign for AllHighlyPenetrant. Review status: no assertion criteria provided. Collection method: clinical testing. Allele origin: germline. Inheritance: Autosomal dominant inheritance. Not counted in ClinVar's aggregate classification.
Comment: Likely benign based on allele frequency in 1000 Genomes Project or ESP global frequency and its presence in a patient with a rare or unrelated disease phenotype. NOT Sanger confirmed.

NM_001371623.1(TCOF1):c.2094A>G (p.Glu698=)

Gene: TCOF1 (treacle ribosome biogenesis factor 1; plus strand). Cytogenetic location: 5q32.
Variant type: single nucleotide variant.
Coding change: c.2094A>G on transcript NM_001371623.1 (MANE Select); coding-DNA position 2094, A replaced by G.
Protein change: p.Glu698=; no amino-acid change (glutamic acid 698 retained).
Molecular consequence: synonymous variant.
Genome position (GRCh38, 1-based): chr5:150,376,282, A>G. VCF-style: chr5-150376282-A-G. GRCh37 (hg19) VCF-style: chr5-149755845-A-G.
Other names: c.1863A>G, p.Glu621= (NM_000356.4, NM_001135245.2); c.2094A>G, p.Glu698= (NM_001008657.3, NM_001135243.2, NM_001135244.2 and 1 more transcripts).
Identifiers: ClinVar variation 130567 (VCV000130567.15), dbSNP rs34796297, ClinGen allele CA155670.